The following is an entry in ClinVar:

NM_000214.3(JAG1):c.1097G>A (p.Trp366Ter)

Gene: JAG1 (jagged canonical Notch ligand 1; minus strand). Cytogenetic location: 20p12.2.
Variant type: single nucleotide variant.
Coding change: c.1097G>A on transcript NM_000214.3 (MANE Select); coding-DNA position 1097, G replaced by A.
Protein change: p.Trp366Ter; replaces tryptophan 366 with a stop codon.
Molecular consequence: nonsense.
Genome position (GRCh38, 1-based): chr20:10,651,604, C>T on the plus strand (G>A on the coding strand, the complement: JAG1 is on the minus strand). VCF-style: chr20-10651604-C-T. GRCh37 (hg19) VCF-style: chr20-10632252-C-T.
Other names: short protein forms W366*.
Identifiers: ClinVar variation 4856372 (VCV004856372.1).

ClinVar aggregate classification (germline): Likely pathogenic (1 of 4 stars; one submission).

Conditions:
Alagille syndrome due to a JAG1 point mutation. Also called: HEPATIC DUCTULAR HYPOPLASIA, SYNDROMATIC; JAG1-Related Alagille Syndrome; Alagille Syndrome 1. Identifiers: Orphanet 261619, Orphanet 52, MedGen C1956125, MONDO:0016862, OMIM 118450.

Submission:

3billion
Classification: Likely pathogenic for Alagille syndrome due to a JAG1 point mutation. Last evaluated: 2025-12-02. Review status: criteria provided, single submitter. Criteria: ACMG Guidelines, 2015. Collection method: clinical testing. Allele origin: germline. Affected: yes.
Comment: The variant is not observed in the gnomAD v4.1.0 dataset. Predicted Consequence/Location: Stop-gained (nonsense): predicted to result in a loss or disruption of normal protein function through nonsense-mediated decay (NMD) or protein truncation. Multiple pathogenic variants are reported downstream of the variant. Therefore, this variant is classified as Likely pathogenic according to the recommendation of ACMG/AMP guideline.